The following is an entry in ClinVar:

NM_001083614.2(EARS2):c.983C>T (p.Pro328Leu)

Gene: EARS2 (glutamyl-tRNA synthetase 2, mitochondrial; minus strand). Cytogenetic location: 16p12.2.
Variant type: single nucleotide variant.
Coding change: c.983C>T on transcript NM_001083614.2 (MANE Select); coding-DNA position 983, C replaced by T.
Protein change: p.Pro328Leu; replaces proline 328 with leucine.
Molecular consequence: missense variant. On other transcripts: non-coding transcript variant (1).
Genome position (GRCh38, 1-based): chr16:23,532,741, G>A on the plus strand (C>T on the coding strand, the complement: EARS2 is on the minus strand). VCF-style: chr16-23532741-G-A. GRCh37 (hg19) VCF-style: chr16-23544062-G-A.
Other names: c.983C>T (NM_001083614.1); c.983C>T, p.Pro328Leu (NM_001308211.1, NM_133451.1); short protein forms P328L.
Identifiers: ClinVar variation 2190184 (VCV002190184.5), dbSNP rs755318395, ClinGen allele CA7962441.
Genomic context (GRCh38, chr16:23,532,741, plus strand): 5'-AGGTCCAGCAGGGCTGAGTGACAGGTGACCTGTGTCAGGTTGAACTGTGTGATCAGCTCC[G>A]GCAGGGTCCTGCCCATTTGGTTCTCTGCAAAGAAGAGAGGCCCAGCCACTCAGCTTCCTC-3'
Protein context (NP_001077083.1, residues 318-338): FAENQMGRTL[Pro328Leu]ELITQFNLTQ

ClinVar aggregate classification (germline): Uncertain significance. Review status: criteria provided, multiple submitters, no conflicts (2 of 4 stars). 2 submissions from 2 submitters: Uncertain significance (2). Last evaluated 2022-06-20.

Conditions:
Inborn genetic diseases. Identifiers: MedGen C0950123, MeSH D030342.

Allele frequency attached by ClinVar (database versions not stated): gnomAD 0.00006; ExAC 0.00007; gnomAD exomes 0.00009.
gnomAD v4.1: 147 of 1,613,620 alleles (0.0091%); highest among the groups gnomAD compares: Middle Eastern, 0.033%; no homozygotes.

Submissions (2):

Labcorp Genetics (formerly Invitae), Labcorp
Classification: Uncertain significance. Last evaluated: 2022-06-20. Review status: criteria provided, single submitter. Criteria: Invitae Variant Classification Sherloc (09022015). Collection method: clinical testing. Allele origin: germline.
Comment: In summary, the available evidence is currently insufficient to determine the role of this variant in disease. Therefore, it has been classified as a Variant of Uncertain Significance. Algorithms developed to predict the effect of missense changes on protein structure and function are either unavailable or do not agree on the potential impact of this missense change (SIFT: "Deleterious"; PolyPhen-2: "Benign"; Align-GVGD: "Class C0"). This variant has not been reported in the literature in individuals affected with EARS2-related conditions. This variant is present in population databases (rs755318395, gnomAD 0.008%). This sequence change replaces proline, which is neutral and non-polar, with leucine, which is neutral and non-polar, at codon 328 of the EARS2 protein (p.Pro328Leu).

Ambry Genetics
Classification: Uncertain significance for Inborn genetic diseases. Last evaluated: 2021-07-14. Review status: criteria provided, single submitter. Criteria: Ambry Variant Classification Scheme 2023. Collection method: clinical testing. Allele origin: germline.